The following is an entry in ClinVar:

ClinVar aggregate classification (germline): Benign/Likely benign. Review status: criteria provided, multiple submitters, no conflicts (2 of 4 stars). 3 submissions from 3 submitters: Benign (1); Likely benign (1). 1 of the submissions does not count toward it. Last evaluated 2026-02-01.

Conditions:
SAMD11-related disorder. Also called: SAMD11-related condition.

Allele frequency attached by ClinVar (database versions not stated): gnomAD exomes 0.00104; ExAC 0.00109; 1000 Genomes Project 30x 0.00172; 1000 Genomes Project 0.00180; ESP Exome Variant Server 0.00246.

Submissions (3):

Labcorp Genetics (formerly Invitae), Labcorp
Classification: Benign. Last evaluated: 2026-02-01. Review status: criteria provided, single submitter. Criteria: Invitae Variant Classification Sherloc (09022015). Collection method: clinical testing. Allele origin: germline.

Blueprint Genetics
Classification: Likely benign. Last evaluated: 2024-11-21. Review status: criteria provided, single submitter. Criteria: ACMG Guidelines, 2015. Collection method: clinical testing. Allele origin: germline.

PreventionGenetics, part of Exact Sciences
Classification: Likely benign for SAMD11-related condition. Last evaluated: 2019-04-18. Review status: no assertion criteria provided. Collection method: clinical testing. Allele origin: germline. Not counted in ClinVar's aggregate classification.
Comment: This variant is classified as likely benign based on ACMG/AMP sequence variant interpretation guidelines (Richards et al. 2015 PMID: 25741868, with internal and published modifications).

NM_001385641.1(SAMD11):c.2130C>T (p.Asp710=)

Genes: SAMD11 (sterile alpha motif domain containing 11; plus strand), LOC129929063 (ATAC-STARR-seq lymphoblastoid active region 4; plus strand). Cytogenetic location: 1p36.33.
Variant type: single nucleotide variant.
Coding change: c.2130C>T on transcript NM_001385641.1 (MANE Select); coding-DNA position 2130, C replaced by T.
Protein change: p.Asp710=; no amino-acid change (aspartic acid 710 retained).
Molecular consequence: synonymous variant.
Genome position (GRCh38, 1-based): chr1:943,329, C>T. VCF-style: chr1-943329-C-T. GRCh37 (hg19) VCF-style: chr1-878709-C-T.
Other names: c.2133C>T, p.Asp711= (NM_001385640.1); c.1641C>T, p.Asp547= (NM_152486.4); c.1641C>T (NM_152486.2).
Identifiers: ClinVar variation 1169239 (VCV001169239.10), dbSNP rs144453653, ClinGen allele CA503158.